The following is an entry in ClinVar:

ClinVar aggregate classification (germline): Uncertain significance (1 of 4 stars; one submission).

Conditions:
Cardiovascular phenotype. Identifiers: MedGen CN230736.

Submission:

Ambry Genetics
Classification: Uncertain significance for Cardiovascular phenotype. Last evaluated: 2025-06-01. Review status: criteria provided, single submitter. Criteria: Ambry Variant Classification Scheme 2023. Collection method: clinical testing. Allele origin: germline.
Comment: The p.G574R variant (also known as c.1720G>A), located in coding exon 1 of the ZNF469 gene, results from a G to A substitution at nucleotide position 1720. The glycine at codon 574 is replaced by arginine, an amino acid with dissimilar properties. This amino acid position is conserved. In addition, this alteration is predicted to be tolerated by in silico analysis. Based on the available evidence, the clinical significance of this variant remains unclear.

NM_001367624.2(ZNF469):c.1720G>A (p.Gly574Arg)

Gene: ZNF469 (zinc finger protein 469; plus strand). Cytogenetic location: 16q24.2.
Variant type: single nucleotide variant.
Coding change: c.1720G>A on transcript NM_001367624.2 (MANE Select); coding-DNA position 1720, G replaced by A.
Protein change: p.Gly574Arg; replaces glycine 574 with arginine.
Molecular consequence: missense variant.
Genome position (GRCh38, 1-based): chr16:88,429,190, G>A. VCF-style: chr16-88429190-G-A. GRCh37 (hg19) VCF-style: chr16-88495598-G-A.
Other names: NM_001127464.1:c.1720G>A; short protein forms G574R.
Identifiers: ClinVar variation 3987380 (VCV003987380.1).
Genomic context (GRCh38, chr16:88,429,190, plus strand): 5'-ACAGACCCTGGGGCTCAGCCCCTGTTCTTCGGGGTGGCCCAGCCCCAGGTTTCACCCCAC[G>A]GGACACCCAGCCTGCCCCCACCGAGGGTAGTGGGAGCCTCCCCCAGCGAGTCCCCACTGC-3'
Protein context (NP_001354553.1, residues 564-584): GVAQPQVSPH[Gly574Arg]TPSLPPPRVV